The following is an entry in ClinVar:

NM_152564.5(VPS13B):c.10324G>A (p.Ala3442Thr)

Gene: VPS13B (vacuolar protein sorting 13 homolog B; plus strand). Cytogenetic location: 8q22.2.
Variant type: single nucleotide variant.
Coding change: c.10324G>A on transcript NM_152564.5 (MANE Select); coding-DNA position 10324, G replaced by A.
Protein change: p.Ala3442Thr; replaces alanine 3442 with threonine.
Molecular consequence: missense variant.
Genome position (GRCh38, 1-based): chr8:99,853,713, G>A. VCF-style: chr8-99853713-G-A. GRCh37 (hg19) VCF-style: chr8-100865941-G-A.
Other names: c.10399G>A, p.Ala3467Thr (NM_017890.5); c.10324G>A (NM_152564.4); short protein forms A3442T, A3467T.
Identifiers: ClinVar variation 1022775 (VCV001022775.12), dbSNP rs1816408668, ClinGen allele CA371781575.

ClinVar aggregate classification (germline): Uncertain significance. Review status: criteria provided, multiple submitters, no conflicts (2 of 4 stars). 4 submissions from 4 submitters: Uncertain significance (3). 1 of the submissions does not count toward it. Last evaluated 2025-06-16.

Conditions:
VPS13B-related disorder. Also called: VPS13B-related condition.
Cohen syndrome (COH1). Also called: Cutis verticis gyrata, retinitis pigmentosa, and sensorineural deafness; PEPPER SYNDROME. Identifiers: Orphanet 193, MedGen C0265223, MONDO:0008999, OMIM 216550.

Allele frequency attached by ClinVar (database versions not stated): TOPMed below 0.00001; gnomAD 0.00001; gnomAD exomes 0.00001.
gnomAD v4.1: 10 of 1,614,110 alleles (0.00062%); highest among the groups gnomAD compares: Non-Finnish European, 0.00085%; no homozygotes.

Submissions (4):

PreventionGenetics, part of Exact Sciences
Classification: Uncertain significance for VPS13B-related condition. Last evaluated: 2025-06-16. Review status: criteria provided, single submitter. Criteria: ACMG Guidelines, 2015. Collection method: clinical testing. Allele origin: germline.
Comment: The VPS13B c.10324G>A variant is predicted to result in the amino acid substitution p.Ala3442Thr. To our knowledge, this variant has not been reported in the literature or in a large population database (gnomAD), indicating this variant is rare. At this time, the clinical significance of this variant is uncertain due to the absence of conclusive functional and genetic evidence.

Labcorp Genetics (formerly Invitae), Labcorp
Classification: Uncertain significance for Cohen syndrome. Last evaluated: 2022-10-28. Review status: criteria provided, single submitter. Criteria: Invitae Variant Classification Sherloc (09022015). Collection method: clinical testing. Allele origin: germline.
Comment: This sequence change replaces alanine, which is neutral and non-polar, with threonine, which is neutral and polar, at codon 3467 of the VPS13B protein (p.Ala3467Thr). This variant is not present in population databases (gnomAD no frequency). This variant has not been reported in the literature in individuals affected with VPS13B-related conditions. ClinVar contains an entry for this variant (Variation ID: 1022775). Advanced modeling of protein sequence and biophysical properties (such as structural, functional, and spatial information, amino acid conservation, physicochemical variation, residue mobility, and thermodynamic stability) performed at Invitae indicates that this missense variant is not expected to disrupt VPS13B protein function. In summary, the available evidence is currently insufficient to determine the role of this variant in disease. Therefore, it has been classified as a Variant of Uncertain Significance.

Blueprint Genetics
Classification: Uncertain significance. Last evaluated: 2022-02-17. Review status: criteria provided, single submitter. Criteria: ACMG Guidelines, 2015. Collection method: clinical testing. Allele origin: germline.

Natera, Inc.
Classification: Uncertain significance for Cohen syndrome. Last evaluated: 2021-09-16. Review status: no assertion criteria provided. Collection method: clinical testing. Allele origin: germline. Not counted in ClinVar's aggregate classification.